The following is an entry in ClinVar:

ClinVar aggregate classification (germline): Uncertain significance. Review status: criteria provided, multiple submitters, no conflicts (2 of 4 stars). 2 submissions from 2 submitters: Uncertain significance (2). Last evaluated 2025-06-24.

Conditions:
Wilson disease (WND). Also called: Wilson's disease. Identifiers: Orphanet 905, MedGen C0019202, MONDO:0010200, OMIM 277900. Disease mechanism: loss of function.

Allele frequency attached by ClinVar (database versions not stated): gnomAD exomes below 0.00001; TOPMed 0.00002; gnomAD 0.00003 and 0.00004.
gnomAD v4.1: 15 of 1,614,130 alleles (0.00093%); highest among the groups gnomAD compares: Admixed American, 0.0017%; no homozygotes.

Submissions (2):

Color Diagnostics, LLC DBA Color Health
Classification: Uncertain significance for Wilson disease. Last evaluated: 2025-06-24. Review status: criteria provided, single submitter. Criteria: ACMG Guidelines, 2015. Collection method: clinical testing. Allele origin: germline.
Comment: This missense variant replaces methionine with valine at codon 420 of the ATP7B protein. Computational prediction is inconclusive regarding the impact of this variant on protein structure and function. To our knowledge, functional studies have not been reported for this variant. This variant has been reported in an individual affected with an unspecified cancer (PMID: 20045993). This variant has been identified in 1/249442 chromosomes in the general population by the Genome Aggregation Database (gnomAD). The available evidence is insufficient to determine the role of this variant in disease conclusively. Therefore, this variant is classified as a Variant of Uncertain Significance.

Labcorp Genetics (formerly Invitae), Labcorp
Classification: Uncertain significance for Wilson disease. Last evaluated: 2023-11-20. Review status: criteria provided, single submitter. Criteria: Invitae Variant Classification Sherloc (09022015). Collection method: clinical testing. Allele origin: germline.
Comment: This sequence change replaces methionine, which is neutral and non-polar, with valine, which is neutral and non-polar, at codon 420 of the ATP7B protein (p.Met420Val). This variant is present in population databases (no rsID available, gnomAD 0.0009%). This variant has not been reported in the literature in individuals affected with ATP7B-related conditions. ClinVar contains an entry for this variant (Variation ID: 1437290). Advanced modeling of protein sequence and biophysical properties (such as structural, functional, and spatial information, amino acid conservation, physicochemical variation, residue mobility, and thermodynamic stability) has been performed at Invitae for this missense variant, however the output from this modeling did not meet the statistical confidence thresholds required to predict the impact of this variant on ATP7B protein function. In summary, the available evidence is currently insufficient to determine the role of this variant in disease. Therefore, it has been classified as a Variant of Uncertain Significance.

Literature cited by the submitters: PubMed 20045993 (cited by Color Diagnostics, LLC DBA Color Health).

NM_000053.4(ATP7B):c.1258A>G (p.Met420Val)

Gene: ATP7B (ATPase copper transporting beta; minus strand). Cytogenetic location: 13q14.3.
Variant type: single nucleotide variant.
Coding change: c.1258A>G on transcript NM_000053.4 (MANE Select); coding-DNA position 1258, A replaced by G.
Protein change: p.Met420Val; replaces methionine 420 with valine.
Molecular consequence: missense variant.
Genome position (GRCh38, 1-based): chr13:51,973,962, T>C on the plus strand (A>G on the coding strand, the complement: ATP7B is on the minus strand). VCF-style: chr13-51973962-T-C. GRCh37 (hg19) VCF-style: chr13-52548098-T-C.
Other names: c.1258A>G, p.Met420Val (NM_001005918.3, NM_001330578.2, NM_001330579.2); c.925A>G, p.Met309Val (NM_001243182.2); short protein forms M309V, M420V.
Identifiers: ClinVar variation 1437290 (VCV001437290.6), dbSNP rs1390574533, ClinGen allele CA388038079.
Genomic context (GRCh38, chr13:51,973,962, plus strand): 5'-AAGCTCAGGACATGCCTCAAACACACTACGTACCAGAAACGACTGAAGCCTCAAATCCCA[T>C]GTCTTCTATAGCAGCTCTGAGTTCTTCTGGGCTAATTACAGAGGGATTATAAAGAACTGT-3'
Protein context (NP_000044.2, residues 410-430): PEELRAAIED[Met420Val]GFEASVVSES